The following is an entry in ClinVar:

NM_032242.4(PLXNA1):c.4398C>T (p.Cys1466=)

Gene: PLXNA1 (plexin A1; plus strand). Cytogenetic location: 3q21.3.
Variant type: single nucleotide variant.
Coding change: c.4398C>T on transcript NM_032242.4 (MANE Select); coding-DNA position 4398, C replaced by T.
Protein change: p.Cys1466=; no amino-acid change (cysteine 1466 retained).
Molecular consequence: synonymous variant.
Genome position (GRCh38, 1-based): chr3:127,027,975, C>T. VCF-style: chr3-127027975-C-T. GRCh37 (hg19) VCF-style: chr3-126746818-C-T.
Identifiers: ClinVar variation 3030543 (VCV003030543.2), dbSNP rs763030218, ClinGen allele CA2594375.

ClinVar aggregate classification (germline): Likely benign (0 of 4 stars; one submission).

Conditions:
PLXNA1-related disorder. Also called: PLXNA1-related condition.

Allele frequency attached by ClinVar (database versions not stated): gnomAD 0.00003; gnomAD exomes 0.00003; TOPMed 0.00006; ExAC 0.00007.
gnomAD v4.1: 53 of 1,613,718 alleles (0.0033%); highest among the groups gnomAD compares: South Asian, 0.0088%; no homozygotes.

Submission:

PreventionGenetics, part of Exact Sciences
Classification: Likely benign for PLXNA1-related condition. Last evaluated: 2024-05-01. Review status: no assertion criteria provided. Collection method: clinical testing. Allele origin: germline.
Comment: This variant is classified as likely benign based on ACMG/AMP sequence variant interpretation guidelines (Richards et al. 2015 PMID: 25741868, with internal and published modifications).